The following is an entry in ClinVar:

NM_031475.3(ESPN):c.2215C>G (p.Leu739Val)

Gene: ESPN (espin; plus strand). Cytogenetic location: 1p36.31.
Variant type: single nucleotide variant.
Coding change: c.2215C>G on transcript NM_031475.3 (MANE Select); coding-DNA position 2215, C replaced by G.
Protein change: p.Leu739Val; replaces leucine 739 with valine.
Molecular consequence: missense variant.
Genome position (GRCh38, 1-based): chr1:6,451,986, C>G. VCF-style: chr1-6451986-C-G. GRCh37 (hg19) VCF-style: chr1-6512046-C-G.
Other names: c.2125C>G, p.Leu709Val (NM_001367473.1); c.2152C>G, p.Leu718Val (NM_001367474.1); short protein forms L739V, L709V, L718V.
Identifiers: ClinVar variation 504568 (VCV000504568.9), dbSNP rs368795540, ClinGen allele CA560424.
Genomic context (GRCh38, chr1:6,451,986, plus strand): 5'-AGCTTGGTTCCCGTGCCGCCCACTACTCCTGCGCCGGGAGTGCAGCTGGACGTGGAGGCT[C>G]TCATCCCCACGCACGATGAGCAGGGCCGGCCCATCCCCGAGTGGAAGCGCCAGGTGATGG-3'
Protein context (NP_113663.2, residues 729-749): APGVQLDVEA[Leu739Val]IPTHDEQGRP

ClinVar aggregate classification (germline): Conflicting classifications of pathogenicity. Review status: criteria provided, conflicting classifications (1 of 4 stars). 4 submissions from 4 submitters: Uncertain significance (3); Likely benign (1). Last evaluated 2024-12-28.

Conditions:
Inborn genetic diseases. Identifiers: MedGen C0950123, MeSH D030342.

Allele frequency attached by ClinVar (database versions not stated): ExAC 0.00006; gnomAD exomes 0.00006; ESP Exome Variant Server 0.00008; TOPMed 0.00012; gnomAD 0.00015 and 0.00016.
gnomAD v4.1: 232 of 1,608,484 alleles (0.014%); highest among the groups gnomAD compares: Non-Finnish European, 0.018%; no homozygotes.

Submissions (4):

Ambry Genetics
Classification: Uncertain significance for Inborn genetic diseases. Last evaluated: 2024-12-28. Review status: criteria provided, single submitter. Criteria: Ambry Variant Classification Scheme 2023. Collection method: clinical testing. Allele origin: germline.

Blueprint Genetics
Classification: Uncertain significance. Last evaluated: 2022-11-02. Review status: criteria provided, single submitter. Criteria: ACMG Guidelines, 2015. Collection method: clinical testing. Allele origin: germline.

GeneDx
Classification: Uncertain significance. Last evaluated: 2020-01-15. Review status: criteria provided, single submitter. Criteria: GeneDx Variant Classification Process June 2021. Collection method: clinical testing. Allele origin: germline. Affected: yes.
Comment: In silico analysis, which includes protein predictors and evolutionary conservation, supports a deleterious effect; Has not been previously published as pathogenic or benign to our knowledge

Laboratory for Molecular Medicine, Mass General Brigham Personalized Medicine
Classification: Likely benign. Last evaluated: 2016-10-04. Review status: criteria provided, single submitter. Criteria: LMM Criteria. Collection method: clinical testing. Allele origin: germline. Observed: 1 variant allele.
Comment: p.Leu739Val in exon 10 of ESPN: This variant is not expected to have clinical si gnificance due to a lack of conservation across species, including mammals. Of n ote, 3 mammals (pika, manatee, and Tasmanian devil) have a valine (Val) at this position despite high nearby amino acid conservation. It has also been identifie d in 5/41504 European chromosomes by the Exome Aggregation Consortium (ExAC; dbSNP rs368795540).